The following is an entry in ClinVar:

NM_001206927.2(DNAH8):c.11443C>G (p.Leu3815Val)

Genes: DNAH8 (dynein axonemal heavy chain 8; plus strand), DNAH8-AS1 (DNAH8 antisense RNA 1; minus strand). Cytogenetic location: 6p21.2.
Variant type: single nucleotide variant.
Coding change: c.11443C>G on transcript NM_001206927.2 (MANE Select); coding-DNA position 11443, C replaced by G.
Protein change: p.Leu3815Val; replaces leucine 3815 with valine.
Molecular consequence: missense variant.
Genome position (GRCh38, 1-based): chr6:38,931,979, C>G. VCF-style: chr6-38931979-C-G. GRCh37 (hg19) VCF-style: chr6-38899755-C-G.
Other names: c.10792C>G, p.Leu3598Val (NM_001371.4); short protein forms L3598V, L3815V.
Identifiers: ClinVar variation 3708957 (VCV003708957.2).
Genomic context (GRCh38, chr6:38,931,979, plus strand): 5'-GTCATTGATTTCACTGTTACAATGAAAGGACTTGAGAATCAGTTACTAAGGAGAGTCATT[C>G]TAACAGAGAAACAGGTAATCTCTCTCTCAAGGTAAAGAATTTCTGCTTATAATACATGCT-3'
Protein context (NP_001193856.1, residues 3805-3825): LENQLLRRVI[Leu3815Val]TEKQELEAER

ClinVar aggregate classification (germline): Uncertain significance (1 of 4 stars; one submission).

Conditions:
Primary ciliary dyskinesia. Also called: Ciliary dyskinesia. Identifiers: Orphanet 244, MedGen C0008780, MONDO:0016575, HP:0012265.

gnomAD v4.1: 7 of 1,589,400 alleles (0.00044%); highest among the groups gnomAD compares: Middle Eastern, 0.017%; no homozygotes.

Submission:

Labcorp Genetics (formerly Invitae), Labcorp
Classification: Uncertain significance for Primary ciliary dyskinesia. Last evaluated: 2024-09-08. Review status: criteria provided, single submitter. Criteria: Invitae Variant Classification Sherloc (09022015). Collection method: clinical testing. Allele origin: germline.
Comment: This sequence change replaces leucine, which is neutral and non-polar, with valine, which is neutral and non-polar, at codon 3815 of the DNAH8 protein (p.Leu3815Val). This variant is present in population databases (no rsID available, gnomAD 0.001%). This variant has not been reported in the literature in individuals affected with DNAH8-related conditions. Invitae Evidence Modeling of protein sequence and biophysical properties (such as structural, functional, and spatial information, amino acid conservation, physicochemical variation, residue mobility, and thermodynamic stability) has been performed for this missense variant. However, the output from this modeling did not meet the statistical confidence thresholds required to predict the impact of this variant on DNAH8 protein function. In summary, the available evidence is currently insufficient to determine the role of this variant in disease. Therefore, it has been classified as a Variant of Uncertain Significance.